The following is an entry in ClinVar:

ClinVar aggregate classification (germline): Likely pathogenic (1 of 4 stars; one submission).

Submission:

Labcorp Genetics (formerly Invitae), Labcorp
Classification: Likely pathogenic. Last evaluated: 2022-07-15. Review status: criteria provided, single submitter. Criteria: Invitae Variant Classification Sherloc (09022015). Collection method: clinical testing. Allele origin: germline.
Comment: In summary, the currently available evidence indicates that the variant is pathogenic, but additional data are needed to prove that conclusively. Therefore, this variant has been classified as Likely Pathogenic. Algorithms developed to predict the effect of sequence changes on RNA splicing suggest that this variant may disrupt the consensus splice site. This variant has not been reported in the literature in individuals affected with HJV-related conditions. This variant is not present in population databases (gnomAD no frequency). This sequence change affects an acceptor splice site in intron 2 of the HJV gene. It is expected to disrupt RNA splicing. Variants that disrupt the donor or acceptor splice site typically lead to a loss of protein function (PMID: 16199547), and loss-of-function variants in HJV are known to be pathogenic (PMID: 20301349, 22408404).

Literature cited by the submitters: PubMed 16199547; PubMed 20301349; PubMed 22408404.

NM_213653.4(HJV):c.98-1G>C

Gene: HJV (hemojuvelin BMP co-receptor; minus strand). Cytogenetic location: 1q21.1.
Variant type: single nucleotide variant.
Coding change: c.98-1G>C on transcript NM_213653.4 (MANE Select); the canonical splice acceptor site of the intron before coding-DNA position 98, G replaced by C.
Molecular consequence: splice acceptor variant. On other transcripts: intron variant (1).
Genome position (GRCh38, 1-based): chr1:146,019,735, C>G on the plus strand (G>C on the coding strand, the complement: HJV is on the minus strand). VCF-style: chr1-146019735-C-G. GRCh37 (hg19) VCF-style: chr1-145415278-G-C.
Other names: c.-21-1035G>C (NM_213652.4); c.-58-1G>C (NM_202004.4, NM_001316767.2); c.-242-1G>C (NM_145277.5); c.98-1G>C (NM_001379352.1).
Identifiers: ClinVar variation 2017296 (VCV002017296.4), dbSNP rs2101985658, ClinGen allele CA342144168.